The following is an entry in ClinVar:

NM_002633.3(PGM1):c.244G>T (p.Gly82Trp)

Genes: PGM1 (phosphoglucomutase 1; plus strand), LOC129930669 (ATAC-STARR-seq lymphoblastoid silent region 951; plus strand). Cytogenetic location: 1p31.3.
Variant type: single nucleotide variant.
Coding change: c.244G>T on transcript NM_002633.3 (MANE Select); coding-DNA position 244, G replaced by T.
Protein change: p.Gly82Trp; replaces glycine 82 with tryptophan.
Molecular consequence: missense variant.
Genome position (GRCh38, 1-based): chr1:63,593,732, G>T. VCF-style: chr1-63593732-G-T. GRCh37 (hg19) VCF-style: chr1-64059403-G-T.
Other names: short protein forms G82W.
Identifiers: ClinVar variation 874605 (VCV000874605.14), dbSNP rs199928376, ClinGen allele CA889397.
Genomic context (GRCh38, chr1:63,593,732, plus strand): 5'-GACGGCCGGTTCTACATGAAGGAGGCCATCCAGCTCATCGCTCGCATCGCTGCCGCCAAC[G>T]GGGTAAGGGATGCGCGGCCCCGCGCCGCTGTGCACCCTGGCGCGTGTGCGACGTGCGGCC-3'
Protein context (NP_002624.2, residues 72-92): QLIARIAAAN[Gly82Trp]IGRLVIGQNG

ClinVar aggregate classification (germline): Uncertain significance. Review status: criteria provided, multiple submitters, no conflicts (2 of 4 stars). 3 submissions from 3 submitters: Uncertain significance (3). Last evaluated 2025-01-27.

Conditions:
Inborn genetic diseases. Identifiers: MedGen C0950123, MeSH D030342.
PGM1-congenital disorder of glycosylation. Also called: Congenital disorder of glycosylation type 1t; PHOSPHOGLUCOMUTASE 1 DEFICIENCY; PGM1 DEFICIENCY; GLYCOGEN STORAGE DISEASE XIV; GSD XIV; CDG It. Identifiers: Orphanet 319646, MedGen C2752015, MONDO:0013968, OMIM 614921.

Allele frequency attached by ClinVar (database versions not stated): TOPMed 0.00007; ESP Exome Variant Server 0.00008.

Submissions (3):

Labcorp Genetics (formerly Invitae), Labcorp
Classification: Uncertain significance for PGM1-congenital disorder of glycosylation. Last evaluated: 2025-01-27. Review status: criteria provided, single submitter. Criteria: Invitae Variant Classification Sherloc (09022015). Collection method: clinical testing. Allele origin: germline.
Comment: This sequence change replaces glycine, which is neutral and non-polar, with tryptophan, which is neutral and slightly polar, at codon 82 of the PGM1 protein (p.Gly82Trp). This variant is present in population databases (rs199928376, gnomAD 0.02%). This variant has not been reported in the literature in individuals affected with PGM1-related conditions. ClinVar contains an entry for this variant (Variation ID: 874605). An algorithm developed to predict the effect of missense changes on protein structure and function (PolyPhen-2) suggests that this variant is likely to be disruptive. In summary, the available evidence is currently insufficient to determine the role of this variant in disease. Therefore, it has been classified as a Variant of Uncertain Significance.

Ambry Genetics
Classification: Uncertain significance for Inborn genetic diseases. Last evaluated: 2022-11-08. Review status: criteria provided, single submitter. Criteria: Ambry Variant Classification Scheme 2023. Collection method: clinical testing. Allele origin: germline.

Illumina Laboratory Services, Illumina
Classification: Uncertain significance for PGM1-congenital disorder of glycosylation. Last evaluated: 2018-01-12. Review status: criteria provided, single submitter. Criteria: ICSL Variant Classification Criteria 13 December 2019. Collection method: clinical testing. Allele origin: germline.